The following is an entry in ClinVar:

ClinVar aggregate classification (germline): Uncertain significance (1 of 4 stars; one submission).

Submission:

Labcorp Genetics (formerly Invitae), Labcorp
Classification: Uncertain significance. Last evaluated: 2024-09-16. Review status: criteria provided, single submitter. Criteria: Invitae Variant Classification Sherloc (09022015). Collection method: clinical testing. Allele origin: germline.
Comment: This sequence change replaces phenylalanine, which is neutral and non-polar, with leucine, which is neutral and non-polar, at codon 239 of the NDUFAF7 protein (p.Phe239Leu). This variant is not present in population databases (gnomAD no frequency). This variant has not been reported in the literature in individuals affected with NDUFAF7-related conditions. An algorithm developed to predict the effect of missense changes on protein structure and function (PolyPhen-2) suggests that this variant is likely to be disruptive. In summary, the available evidence is currently insufficient to determine the role of this variant in disease. Therefore, it has been classified as a Variant of Uncertain Significance.

NM_144736.5(NDUFAF7):c.1011C>G (p.Phe337Leu)

Gene: NDUFAF7 (NADH:ubiquinone oxidoreductase complex assembly factor 7; plus strand). Cytogenetic location: 2p22.2.
Variant type: single nucleotide variant.
Coding change: c.1011C>G on transcript NM_144736.5 (MANE Select); coding-DNA position 1011, C replaced by G.
Protein change: p.Phe337Leu; replaces phenylalanine 337 with leucine.
Molecular consequence: missense variant. On other transcripts: non-coding transcript variant (10).
Genome position (GRCh38, 1-based): chr2:37,247,530, C>G. VCF-style: chr2-37247530-C-G. GRCh37 (hg19) VCF-style: chr2-37474673-C-G.
Other names: c.717C>G, p.Phe239Leu (NM_001083946.2); c.1011C>G, p.Phe337Leu (NM_001350024.2); c.930C>G, p.Phe310Leu (NM_001350025.2); c.798C>G, p.Phe266Leu (NM_001350027.2); short protein forms F239L, F310L, F266L, F337L.
Identifiers: ClinVar variation 3717337 (VCV003717337.2).
Genomic context (GRCh38, chr2:37,247,530, plus strand): 5'-CAAGCTTCATGATGTCTTAATTGCCCCAGGAACAGCAGATCTAACAGCTGATGTGGACTT[C>G]AGTTATTTGCGAAGAATGGCACAGGGAAAAGTAGCCTCTCTGGGCCCAATAAAACAACAC-3'
Protein context (NP_653337.1, residues 327-347): GTADLTADVD[Phe337Leu]SYLRRMAQGK